The following is an entry in ClinVar:

ClinVar aggregate classification (germline): Uncertain significance (1 of 4 stars; one submission).

Conditions:
Christianson syndrome (MRXSCH). Also called: SLC9A6-Related Syndromic Mental Retardation; INTELLECTUAL DEVELOPMENTAL DISORDER, X-LINKED, SYNDROMIC, CHRISTIANSON TYPE; X-linked mental retardation, syndromic, Christianson type. Identifiers: Orphanet 85278, MedGen C2678194, MONDO:0010278, OMIM 300243.

Submission:

Labcorp Genetics (formerly Invitae), Labcorp
Classification: Uncertain significance for Christianson syndrome. Last evaluated: 2020-09-11. Review status: criteria provided, single submitter. Criteria: Invitae Variant Classification Sherloc (09022015). Collection method: clinical testing. Allele origin: germline.
Comment: This variant results in a copy number gain of the genomic region encompassing exon(s) 3-16 of the SLC9A6 gene. The 5' boundary is likely confined to intron 2. The 3' end of this event is unknown as it extends beyond the assayed region for this gene and therefore may encompass additional genes. As the precise location of this event is unknown, it may be in tandem or it may be located elsewhere in the genome. This variant has not been reported in the literature in individuals with SLC9A6-related conditions. Experimental studies and prediction algorithms are not available or were not evaluated, and the functional significance of this variant is currently unknown. In summary, the available evidence is currently insufficient to determine the role of this variant in disease. Therefore, it has been classified as a Variant of Uncertain Significance.

NC_000023.10:g.(?_135080257)_(135292184_?)dup

Genes: FHL1 (four and a half LIM domains 1; plus strand), SLC9A6 (solute carrier family 9 member A6; plus strand). Cytogenetic location: Xq26.3.
Variant type: Duplication.
Identifiers: ClinVar variation 1036230 (VCV001036230.1).